The following is an entry in ClinVar:

NM_032279.4(ATP13A4):c.3497C>T (p.Pro1166Leu)

Gene: ATP13A4 (ATPase 13A4; minus strand). Cytogenetic location: 3q29.
Variant type: single nucleotide variant.
Coding change: c.3497C>T on transcript NM_032279.4 (MANE Select); coding-DNA position 3497, C replaced by T.
Protein change: p.Pro1166Leu; replaces proline 1166 with leucine.
Molecular consequence: missense variant.
Genome position (GRCh38, 1-based): chr3:193,402,746, G>A on the plus strand (C>T on the coding strand, the complement: ATP13A4 is on the minus strand). VCF-style: chr3-193402746-G-A. GRCh37 (hg19) VCF-style: chr3-193120535-G-A.
Other names: short protein forms P1166L.
Identifiers: ClinVar variation 734313 (VCV000734313.5), dbSNP rs149270045, ClinGen allele CA2757736.

ClinVar aggregate classification (germline): Benign. Review status: criteria provided, single submitter (1 of 4 stars). 2 submissions from 2 submitters: Benign (1). 1 of the submissions does not count toward it. Last evaluated 2018-12-19.

Conditions:
ATP13A4-related disorder. Also called: ATP13A4-related condition.

Allele frequency attached by ClinVar (database versions not stated): gnomAD 0.00027 and 0.00059; TOPMed 0.00037; ESP Exome Variant Server 0.00038; gnomAD exomes 0.00070 and 0.00116; ExAC 0.00134; 1000 Genomes Project 30x 0.00312; 1000 Genomes Project 0.00359.
gnomAD v4.1: 1,131 of 1,608,448 alleles (0.07%); highest among the groups gnomAD compares: South Asian, 0.8%; 10 homozygotes.

Submissions (2):

Labcorp Genetics (formerly Invitae), Labcorp
Classification: Benign. Last evaluated: 2018-12-19. Review status: criteria provided, single submitter. Criteria: Invitae Variant Classification Sherloc (09022015). Collection method: clinical testing. Allele origin: germline.

PreventionGenetics, part of Exact Sciences
Classification: Likely benign for ATP13A4-related condition. Last evaluated: 2022-02-23. Review status: no assertion criteria provided. Collection method: clinical testing. Allele origin: germline. Not counted in ClinVar's aggregate classification.
Comment: This variant is classified as likely benign based on ACMG/AMP sequence variant interpretation guidelines (Richards et al. 2015 PMID: 25741868, with internal and published modifications).